The following is an entry in ClinVar:

NM_000090.4(COL3A1):c.1804C>A (p.Pro602Thr)

Gene: COL3A1 (collagen type III alpha 1 chain; plus strand). Cytogenetic location: 2q32.2.
Variant type: single nucleotide variant.
Coding change: c.1804C>A on transcript NM_000090.4 (MANE Select); coding-DNA position 1804, C replaced by A.
Protein change: p.Pro602Thr; replaces proline 602 with threonine.
Molecular consequence: missense variant.
Genome position (GRCh38, 1-based): chr2:188,997,207, C>A. VCF-style: chr2-188997207-C-A. GRCh37 (hg19) VCF-style: chr2-189861933-C-A.
Other names: p.P602T:CCT>ACT; short protein forms P602T.
Identifiers: ClinVar variation 136845 (VCV000136845.113), dbSNP rs35795890, ClinGen allele CA004532.

ClinVar aggregate classification (germline): Benign/Likely benign. Review status: criteria provided, multiple submitters, no conflicts (2 of 4 stars). 20 submissions from 20 submitters: Benign (12); Likely benign (5). 3 of the submissions do not count toward it. Last evaluated 2026-09-01.

Conditions:
Ehlers-Danlos syndrome (EDS). Identifiers: Orphanet 98249, MedGen C0013720, MONDO:0020066.
Familial thoracic aortic aneurysm and aortic dissection (TAAD). Also called: Thoracic aortic aneurysms and dissections. Identifiers: Orphanet 91387, MedGen C4707243, MONDO:0019625.
Ehlers-Danlos syndrome, type 4 (EDSVASC). Also called: Ehlers-Danlos syndrome vascular type; Ehlers Danlos syndrome, ecchymotic type; Ehlers Danlos syndrome, arterial type; Ehlers Danlos syndrome, Sack-Barabas type; Ehlers-Danlos Syndrome Type IV. Identifiers: Orphanet 286, MedGen C0268338, MONDO:0017314, OMIM 130050.

Allele frequency attached by ClinVar (database versions not stated): 1000 Genomes Project 30x 0.00422; ExAC 0.00440; gnomAD exomes 0.00455; 1000 Genomes Project 0.00459; gnomAD 0.00503 and 0.00513; ESP Exome Variant Server 0.00507; TOPMed 0.00558.
gnomAD v4.1: 8,981 of 1,613,986 alleles (0.56%); highest among the groups gnomAD compares: Middle Eastern, 2.3%; 35 homozygotes.

Submissions (20):

CeGaT Center for Human Genetics Tuebingen
Classification: Likely benign. Last evaluated: 2026-09-01. Review status: criteria provided, single submitter. Criteria: CeGaT Center For Human Genetics Tuebingen Variant Classification Criteria Version 2. Collection method: clinical testing. Allele origin: germline. Affected: yes. Observed: 90 variant alleles.
Comment: COL3A1: BS2

Labcorp Genetics (formerly Invitae), Labcorp
Classification: Benign for Ehlers-Danlos syndrome, type 4. Last evaluated: 2026-02-01. Review status: criteria provided, single submitter. Criteria: Invitae Variant Classification Sherloc (09022015). Collection method: clinical testing. Allele origin: germline.

ARUP Laboratories, Molecular Genetics and Genomics, ARUP Laboratories
Classification: Benign. Last evaluated: 2025-07-23. Review status: criteria provided, single submitter. Criteria: ARUP Molecular Germline Variant Investigation Process 2024. Collection method: clinical testing. Allele origin: germline.

Molecular Diagnostic Laboratory for Inherited Cardiovascular Disease, Montreal Heart Institute
Classification: Likely benign. Last evaluated: 2025-04-09. Review status: criteria provided, single submitter. Criteria: ACMG Guidelines, 2015. Collection method: clinical testing. Allele origin: germline. Affected: no.

Blueprint Genetics
Classification: Likely benign. Last evaluated: 2024-11-25. Review status: criteria provided, single submitter. Criteria: ACMG Guidelines, 2015. Collection method: clinical testing. Allele origin: germline.

Mayo Clinic Laboratories, Mayo Clinic
Classification: Benign. Last evaluated: 2023-05-25. Review status: criteria provided, single submitter. Criteria: ACMG Guidelines, 2015. Collection method: clinical testing. Allele origin: germline. Observed: 83 variant alleles.
Comment: BS1, BS2

Genome Diagnostics Laboratory, The Hospital for Sick Children
Classification: Benign for Ehlers-Danlos syndrome. Last evaluated: 2022-03-12. Review status: criteria provided, single submitter. Criteria: ACMG Guidelines, 2015. Collection method: clinical testing. Allele origin: germline.

Mendelics
Classification: Likely benign for Ehlers-Danlos syndrome, type 4. Last evaluated: 2019-05-28. Review status: criteria provided, single submitter. Criteria: Mendelics Assertion Criteria 2017. Collection method: clinical testing. Allele origin: unknown.

Color Diagnostics, LLC DBA Color Health
Classification: Benign for Familial thoracic aortic aneurysm and aortic dissection. Last evaluated: 2018-06-12. Review status: criteria provided, single submitter. Criteria: ACMG Guidelines, 2015. Collection method: clinical testing. Allele origin: germline.

Illumina Laboratory Services, Illumina
Classification: Benign for Ehlers-Danlos syndrome, type 4. Last evaluated: 2018-01-12. Review status: criteria provided, single submitter. Criteria: ICSL Variant Classification Criteria 13 December 2019. Collection method: clinical testing. Allele origin: germline.
Comment: This variant was observed in the ICSL laboratory as part of a predisposition screen in an ostensibly healthy population. It had not been previously curated by ICSL or reported in the Human Gene Mutation Database (HGMD: prior to June 1st, 2018), and was therefore a candidate for classification through an automated scoring system. Utilizing variant allele frequency, disease prevalence and penetrance estimates, and inheritance mode, an automated score was calculated to assess if this variant is too frequent to cause the disease. Based on the score and internal cut-off values, a variant classified as benign is not then subjected to further curation. The score for this variant resulted in a classification of benign for this disease.

CHEO Genetics Diagnostic Laboratory, Children's Hospital of Eastern Ontario
Classification: Benign for Familial thoracic aortic aneurysm and aortic dissection. Last evaluated: 2016-05-17. Review status: criteria provided, single submitter. Criteria: ACMG Guidelines, 2015. Collection method: clinical testing. Allele origin: germline. Study: Canadian Open Genetics Repository.

Women's Health and Genetics/Laboratory Corporation of America, LabCorp
Classification: Benign. Last evaluated: 2016-02-29. Review status: criteria provided, single submitter. Criteria: LabCorp Variant Classification Summary - May 2015. Collection method: clinical testing. Allele origin: germline.

Genomic Diagnostic Laboratory, Division of Genomic Diagnostics, Children's Hospital of Philadelphia
Classification: Benign for Ehlers-Danlos syndrome, type 4. Last evaluated: 2015-07-22. Review status: criteria provided, single submitter. Criteria: DGD Variant Analysis Guidelines. Collection method: clinical testing. Allele origin: unknown.

Ambry Genetics
Classification: Benign for Familial thoracic aortic aneurysm and aortic dissection. Last evaluated: 2014-06-26. Review status: criteria provided, single submitter. Criteria: Ambry Variant Classification Scheme 2023. Collection method: clinical testing. Allele origin: germline.

GeneDx
Classification: Benign. Last evaluated: 2013-05-31. Review status: criteria provided, single submitter. Criteria: GeneDx Variant Classification (06012015). Collection method: clinical testing. Allele origin: germline. Affected: yes.
Comment: This variant is considered likely benign or benign based on one or more of the following criteria: it is a conservative change, it occurs at a poorly conserved position in the protein, it is predicted to be benign by multiple in silico algorithms, and/or has population frequency not consistent with disease.

Breakthrough Genomics
Classification: Likely benign. Review status: criteria provided, single submitter. Criteria: ACMG Guidelines, 2015. Collection method: not provided. Allele origin: germline. Inheritance: Autosomal recessive inheritance. Affected: yes.

PreventionGenetics, part of Exact Sciences
Classification: Benign. Review status: criteria provided, single submitter. Criteria: ACMG Guidelines, 2015. Collection method: clinical testing. Allele origin: germline.

Clinical Genetics DNA and cytogenetics Diagnostics Lab, Erasmus MC, Erasmus Medical Center
Classification: Benign. Review status: no assertion criteria provided. Collection method: clinical testing. Allele origin: germline. Affected: yes. Study: VKGL Data-share Consensus. Not counted in ClinVar's aggregate classification.

Genome Diagnostics Laboratory, University Medical Center Utrecht
Classification: Likely benign. Review status: no assertion criteria provided. Collection method: clinical testing. Allele origin: germline. Affected: yes. Study: VKGL Data-share Consensus. Not counted in ClinVar's aggregate classification.

Joint Genome Diagnostic Labs from Nijmegen and Maastricht, Radboudumc and MUMC+
Classification: Likely benign. Review status: no assertion criteria provided. Collection method: clinical testing. Allele origin: germline. Affected: yes. Study: VKGL Data-share Consensus. Not counted in ClinVar's aggregate classification.

Literature cited by the submitters: PubMed 25944730 (cited by Women's Health and Genetics/Laboratory Corporation of America, LabCorp); PubMed 22019127 (cited by Women's Health and Genetics/Laboratory Corporation of America, LabCorp); PubMed 24036952 (cited by Women's Health and Genetics/Laboratory Corporation of America, LabCorp).